The following is an entry in ClinVar:

ClinVar aggregate classification (germline): Uncertain significance. Review status: criteria provided, multiple submitters, no conflicts (2 of 4 stars). 3 submissions from 3 submitters: Uncertain significance (3). Last evaluated 2024-11-07.

Conditions:
Inborn genetic diseases. Identifiers: MedGen C0950123, MeSH D030342.

Allele frequency attached by ClinVar (database versions not stated): gnomAD exomes 0.00004; TOPMed 0.00005; gnomAD 0.00008 and 0.00010; ESP Exome Variant Server 0.00010.
gnomAD v4.1: 45 of 1,168,895 alleles (0.0038%); highest among the groups gnomAD compares: African/African-American, 0.009%; no homozygotes.

Submissions (3):

Labcorp Genetics (formerly Invitae), Labcorp
Classification: Uncertain significance. Last evaluated: 2024-11-07. Review status: criteria provided, single submitter. Criteria: Invitae Variant Classification Sherloc (09022015). Collection method: clinical testing. Allele origin: germline.
Comment: This sequence change replaces arginine, which is basic and polar, with tryptophan, which is neutral and slightly polar, at codon 23 of the RP2 protein (p.Arg23Trp). This variant is not present in population databases (gnomAD no frequency). This variant has not been reported in the literature in individuals affected with RP2-related conditions. ClinVar contains an entry for this variant (Variation ID: 1460976). Invitae Evidence Modeling of protein sequence and biophysical properties (such as structural, functional, and spatial information, amino acid conservation, physicochemical variation, residue mobility, and thermodynamic stability) indicates that this missense variant is not expected to disrupt RP2 protein function with a negative predictive value of 95%. In summary, the available evidence is currently insufficient to determine the role of this variant in disease. Therefore, it has been classified as a Variant of Uncertain Significance.

Ambry Genetics
Classification: Uncertain significance for Inborn genetic diseases. Last evaluated: 2023-06-06. Review status: criteria provided, single submitter. Criteria: Ambry Variant Classification Scheme 2023. Collection method: clinical testing. Allele origin: germline.

Blueprint Genetics
Classification: Uncertain significance. Last evaluated: 2019-07-22. Review status: criteria provided, single submitter. Criteria: ACMG Guidelines, 2015. Collection method: clinical testing. Allele origin: germline.

NM_006915.3(RP2):c.67C>T (p.Arg23Trp)

Genes: RP2 (RP2 activator of ARL3 GTPase; plus strand), LOC130068202 (ATAC-STARR-seq lymphoblastoid active region 29577; plus strand). Cytogenetic location: Xp11.3.
Variant type: single nucleotide variant.
Coding change: c.67C>T on transcript NM_006915.3 (MANE Select); coding-DNA position 67, C replaced by T.
Protein change: p.Arg23Trp; replaces arginine 23 with tryptophan.
Molecular consequence: missense variant.
Genome position (GRCh38, 1-based): chrX:46,837,167, C>T. VCF-style: chrX-46837167-C-T. GRCh37 (hg19) VCF-style: chrX-46696602-C-T.
Other names: c.67C>T (NM_006915.2); short protein forms R23W.
Identifiers: ClinVar variation 1460976 (VCV001460976.9), dbSNP rs200053312, ClinGen allele CA10394168.